The following is an entry in ClinVar:

ClinVar aggregate classification (germline): Uncertain significance (1 of 4 stars; one submission).

Submission:

Ambry Genetics
Classification: Uncertain significance. Last evaluated: 2021-12-08. Review status: criteria provided, single submitter. Criteria: Ambry Variant Classification Scheme 2023. Collection method: clinical testing. Allele origin: germline.
Comment: The p.A1595V variant (also known as c.4784C>T), located in coding exon 37 of the PRKDC gene, results from a C to T substitution at nucleotide position 4784. The alanine at codon 1595 is replaced by valine, an amino acid with similar properties. This amino acid position is conserved. Since supporting evidence is limited at this time, the clinical significance of this alteration remains unclear.

NM_006904.7(PRKDC):c.4784C>T (p.Ala1595Val)

Gene: PRKDC (protein kinase, DNA-activated, catalytic subunit; minus strand). Cytogenetic location: 8q11.21.
Variant type: single nucleotide variant.
Coding change: c.4784C>T on transcript NM_006904.7 (MANE Select); coding-DNA position 4784, C replaced by T.
Protein change: p.Ala1595Val; replaces alanine 1595 with valine.
Molecular consequence: missense variant.
Genome position (GRCh38, 1-based): chr8:47,882,090, G>A on the plus strand (C>T on the coding strand, the complement: PRKDC is on the minus strand). VCF-style: chr8-47882090-G-A. GRCh37 (hg19) VCF-style: chr8-48794651-G-A.
Other names: c.4784C>T, p.Ala1595Val (NM_001081640.2); short protein forms A1595V.
Identifiers: ClinVar variation 1743062 (VCV001743062.2), dbSNP rs1430439397, ClinGen allele CA371142218.